The following is an entry in ClinVar:

NM_031407.7(HUWE1):c.11477C>T (p.Ala3826Val)

Gene: HUWE1 (HECT, UBA and WWE domain containing E3 ubiquitin protein ligase 1; minus strand). Cytogenetic location: Xp11.22.
Variant type: single nucleotide variant.
Coding change: c.11477C>T on transcript NM_031407.7 (MANE Select); coding-DNA position 11477, C replaced by T.
Protein change: p.Ala3826Val; replaces alanine 3826 with valine.
Molecular consequence: missense variant.
Genome position (GRCh38, 1-based): chrX:53,539,812, G>A on the plus strand (C>T on the coding strand, the complement: HUWE1 is on the minus strand). VCF-style: chrX-53539812-G-A. GRCh37 (hg19) VCF-style: chrX-53566773-G-A.
Other names: short protein forms A3826V.
Identifiers: ClinVar variation 3764104 (VCV003764104.1).
Genomic context (GRCh38, chrX:53,539,812, plus strand): 5'-AGGGGTAACTCAGGTGGTCTTTCTTCCTTTTCCTTCTCCCCCTGTGGGGTTCCATCGGAG[G>A]CTGGAGGGCACACAGAAGAGAGTCAGAAAGTCTTCAAAATTTCCCTTCTGCTTAGATCTT-3'
Protein context (NP_113584.3, residues 3816-3836): SPSAQDTQSI[Ala3826Val]SDGTPQGEKE

ClinVar aggregate classification (germline): Uncertain significance (1 of 4 stars; one submission).

Submission:

GeneDx
Classification: Uncertain significance. Last evaluated: 2024-08-22. Review status: criteria provided, single submitter. Criteria: GeneDx Variant Classification Process June 2021. Collection method: clinical testing. Allele origin: germline. Affected: yes.
Comment: Not observed at significant frequency in large population cohorts (gnomAD); In silico analysis indicates that this missense variant does not alter protein structure/function; Has not been previously published as pathogenic or benign to our knowledge